The following is an entry in ClinVar:

ClinVar aggregate classification (germline): Likely benign. Review status: criteria provided, multiple submitters, no conflicts (2 of 4 stars). 2 submissions from 2 submitters: Likely benign (2). Last evaluated 2024-02-05.

Conditions:
Wilson disease (WND). Also called: Wilson's disease. Identifiers: Orphanet 905, MedGen C0019202, MONDO:0010200, OMIM 277900. Disease mechanism: loss of function.

Allele frequency attached by ClinVar (database versions not stated): gnomAD exomes below 0.00001.
gnomAD v4.1: 1 of 1,614,144 alleles (0.000062%); highest among the groups gnomAD compares: Admixed American, 0.0017%; no homozygotes.

Submissions (2):

All of Us Research Program, National Institutes of Health
Classification: Likely benign for Wilson disease. Last evaluated: 2024-02-05. Review status: criteria provided, single submitter. Criteria: ACMG Guidelines, 2015. Collection method: clinical testing. Allele origin: germline. Inheritance: Autosomal recessive inheritance. Observed: 2 variant alleles, 2 heterozygotes.
Comment: This study involves interpretation of variants in research participants for the purpose of population health screening. Participant phenotype was not available at the time of variant classification. Additional details can be found in publication PMID: 35346344, PMCID: PMC8962531

Labcorp Genetics (formerly Invitae), Labcorp
Classification: Likely benign for Wilson disease. Last evaluated: 2024-02-02. Review status: criteria provided, single submitter. Criteria: Invitae Variant Classification Sherloc (09022015). Collection method: clinical testing. Allele origin: germline.

NM_000053.4(ATP7B):c.2517T>C (p.Phe839=)

Gene: ATP7B (ATPase copper transporting beta; minus strand). Cytogenetic location: 13q14.3.
Variant type: single nucleotide variant.
Coding change: c.2517T>C on transcript NM_000053.4 (MANE Select); coding-DNA position 2517, T replaced by C.
Protein change: p.Phe839=; no amino-acid change (phenylalanine 839 retained).
Molecular consequence: synonymous variant.
Genome position (GRCh38, 1-based): chr13:51,950,330, A>G on the plus strand (T>C on the coding strand, the complement: ATP7B is on the minus strand). VCF-style: chr13-51950330-A-G. GRCh37 (hg19) VCF-style: chr13-52524466-A-G.
Other names: c.2031T>C, p.Phe677= (NM_001005918.3); c.2184T>C, p.Phe728= (NM_001243182.2); c.2283T>C, p.Phe761= (NM_001330578.2); c.2265T>C, p.Phe755= (NM_001330579.2).
Identifiers: ClinVar variation 1668352 (VCV001668352.9), dbSNP rs1192411256, ClinGen allele CA483895763.